The following is an entry in ClinVar:

ClinVar aggregate classification (germline): Conflicting classifications of pathogenicity. Review status: criteria provided, conflicting classifications (1 of 4 stars). 5 submissions from 5 submitters: Uncertain significance (2); Benign (1); Likely benign (1). 1 of the submissions does not count toward it. Last evaluated 2025-08-20.

Conditions:
CDKN2A-related disorder. Also called: CDKN2A-related condition.
Familial melanoma. Also called: Hereditary melanoma; Hereditary cutaneous melanoma. Identifiers: Orphanet 618, MedGen C1512419, MONDO:0018961.
Hereditary cancer-predisposing syndrome. Also called: Neoplastic Syndromes, Hereditary; Tumor predisposition; Hereditary Cancer Syndrome; Hereditary neoplastic syndrome. Identifiers: Orphanet 140162, MedGen C0027672, MeSH D009386, MONDO:0015356.
Melanoma-pancreatic cancer syndrome. Identifiers: Orphanet 404560, MedGen C1838547, MONDO:0011713, OMIM 606719. Disease mechanism: loss of function.

Allele frequency attached by ClinVar (database versions not stated): gnomAD exomes below 0.00001; TOPMed below 0.00001.
gnomAD v4.1: 3 of 1,613,782 alleles (0.00019%); highest among the groups gnomAD compares: African/African-American, 0.004%; no homozygotes.

Submissions (5):

Myriad Genetics, Inc.
Classification: Benign for Melanoma-pancreatic cancer syndrome. Last evaluated: 2025-08-20. Review status: criteria provided, single submitter. Criteria: Myriad Autosomal Dominant, Autosomal Recessive and X-Linked Classification Criteria (2023). Collection method: clinical testing. Allele origin: unknown.
Comment: This variant is considered benign. This variant occurs in the non-coding 3' untranslated region of the gene, and is not expected to impact protein function.

Blueprint Genetics
Classification: Likely benign. Last evaluated: 2022-10-10. Review status: criteria provided, single submitter. Criteria: ACMG Guidelines, 2015. Collection method: clinical testing. Allele origin: germline.

Color Diagnostics, LLC DBA Color Health
Classification: Uncertain significance for Hereditary cancer-predisposing syndrome. Last evaluated: 2019-09-17. Review status: criteria provided, single submitter. Criteria: ACMG Guidelines, 2015. Collection method: clinical testing. Allele origin: germline.
Comment: This variant is located in the 3' untranslated region of the CDKN2A (p16INK4A) gene. Splice site prediction tools suggest that this variant may not impact RNA splicing. To our knowledge, functional studies have not been performed for this variant. This variant has not been reported in individuals affected with hereditary cancer in the literature. This variant has been identified in 1/251354 chromosomes in the general population by the Genome Aggregation Database (gnomAD). The available evidence is insufficient to determine the role of this variant in disease conclusively. Therefore, this variant is classified as a Variant of Uncertain Significance.

Labcorp Genetics (formerly Invitae), Labcorp
Classification: Uncertain significance for Familial melanoma. Last evaluated: 2015-02-18. Review status: criteria provided, single submitter. Criteria: Invitae Variant Classification Sherloc (09022015). Collection method: clinical testing. Allele origin: germline.
Comment: This sequence change falls in the 3' untranslated region of the CDKN2A gene. It does not change the encoded amino acid sequence of the CDKN2A protein. This variant has not been published in the literature and is not present in population databases. In summary, this is a novel missense change with uncertain impact on protein function. It has been classified as a Variant of Uncertain Significance.

PreventionGenetics, part of Exact Sciences
Classification: Likely benign for CDKN2A-related condition. Last evaluated: 2023-04-27. Review status: no assertion criteria provided. Collection method: clinical testing. Allele origin: germline. Not counted in ClinVar's aggregate classification.
Comment: This variant is classified as likely benign based on ACMG/AMP sequence variant interpretation guidelines (Richards et al. 2015 PMID: 25741868, with internal and published modifications).

NM_000077.5(CDKN2A):c.*9G>T

Gene: CDKN2A (cyclin dependent kinase inhibitor 2A; minus strand). Cytogenetic location: 9p21.3.
Variant type: single nucleotide variant.
Coding change: c.*9G>T on transcript NM_000077.5; 9 bases downstream of the stop codon, G replaced by T.
Molecular consequence: 3 prime UTR variant (on NM_001195132.2).
Genome position (GRCh38, 1-based): chr9:21,968,220, C>A on the plus strand (G>T on the coding strand, the complement: CDKN2A is on the minus strand). VCF-style: chr9-21968220-C-A. GRCh37 (hg19) VCF-style: chr9-21968219-C-A.
Other names: c.*9G>T (NM_000077.6, NM_001363763.2); c.*173G>T (NM_001195132.2); c.*124G>T (NM_058195.4); c.*403G>T (NM_058197.5).
Identifiers: ClinVar variation 216271 (VCV000216271.10), dbSNP rs863224604, ClinGen allele CA337385.